The following is an entry in ClinVar:

ClinVar aggregate classification (germline): Uncertain significance (1 of 4 stars; one submission).

Allele frequency attached by ClinVar (database versions not stated): gnomAD exomes below 0.00001; gnomAD 0.00002.
gnomAD v4.1: 9 of 1,606,478 alleles (0.00056%); highest among the groups gnomAD compares: African/African-American, 0.011%; no homozygotes.

Submission:

Ambry Genetics
Classification: Uncertain significance. Last evaluated: 2023-10-31. Review status: criteria provided, single submitter. Criteria: Ambry Variant Classification Scheme 2023. Collection method: clinical testing. Allele origin: germline.
Comment: The p.R1886K variant (also known as c.5657G>A), located in coding exon 17 of the POLQ gene, results from a G to A substitution at nucleotide position 5657. The arginine at codon 1886 is replaced by lysine, an amino acid with highly similar properties. This amino acid position is conserved. In addition, this alteration is predicted to be tolerated by in silico analysis. Since supporting evidence is limited at this time, the clinical significance of this alteration remains unclear.

NM_199420.4(POLQ):c.5657G>A (p.Arg1886Lys)

Gene: POLQ (DNA polymerase theta; minus strand). Cytogenetic location: 3q13.33.
Variant type: single nucleotide variant.
Coding change: c.5657G>A on transcript NM_199420.4 (MANE Select); coding-DNA position 5657, G replaced by A.
Protein change: p.Arg1886Lys; replaces arginine 1886 with lysine.
Molecular consequence: missense variant.
Genome position (GRCh38, 1-based): chr3:121,485,157, C>T on the plus strand (G>A on the coding strand, the complement: POLQ is on the minus strand). VCF-style: chr3-121485157-C-T. GRCh37 (hg19) VCF-style: chr3-121204004-C-T.
Other names: short protein forms R1886K.
Identifiers: ClinVar variation 1748895 (VCV001748895.2), dbSNP rs886665541, ClinGen allele CA81832059.
Genomic context (GRCh38, chr3:121,485,157, plus strand): 5'-CATACTGCCAGTCCAACCACCAAGGTGTCATCACAACCTTTAATGGGAAATCCATCATCT[C>T]TAATAGGAATTTCCTGAGGTGAGCTAGCTAAGTAAAACAAAAGTGAAACAGTTAAAAATC-3'
Protein context (NP_955452.3, residues 1876-1896): QASSPQEIPI[Arg1886Lys]DDGFPIKGCD